The following is an entry in ClinVar:

ClinVar aggregate classification (germline): Pathogenic (1 of 4 stars; one submission).

Submission:

Labcorp Genetics (formerly Invitae), Labcorp
Classification: Pathogenic. Last evaluated: 2019-02-25. Review status: criteria provided, single submitter. Criteria: Invitae Variant Classification Sherloc (09022015). Collection method: clinical testing. Allele origin: germline.
Comment: This variant is an out-of-frame deletion of the genomic region encompassing exon 4 of the PARK2 gene. This is expected to create a premature translational stop signal and result in an absent or disrupted protein product. Similar deletions of exon 4 have been observed to be homozygous or on the opposite chromosome (in trans) from other pathogenic variants in individuals and families affected with early-onset Parkinson s disease (PMID: 9560156, 9851438, 10824074, 10939576, 15254940, 21993715, 27182553), and have also been observed to segregate with disease in affected families (PMID: 9560156, 10939576, 15254940, 21993715). This finding is consistent with autosomal recessive inheritance, and suggests that this variant contributes to disease. Loss-of-function variants in PARK2 are known to be pathogenic (PMID: 10072423, 20301651, 22956510). For these reasons, this variant has been classified as Pathogenic.

Literature cited by the submitters: PubMed 10072423; PubMed 21993715; PubMed 9560156; PubMed 10824074; PubMed 20301651; PubMed 22956510; PubMed 27182553; PubMed 9851438; PubMed 10939576; PubMed 15254940.

NC_000006.12:g.(?_162201121)_(162201262_?)del

Gene: PRKN (parkin RBR E3 ubiquitin protein ligase; minus strand). Cytogenetic location: 6q26.
Variant type: Deletion.
Identifiers: ClinVar variation 831103 (VCV000831103.1).